The following is an entry in ClinVar:

NM_006206.6(PDGFRA):c.173A>G (p.Gln58Arg)

Gene: PDGFRA (platelet derived growth factor receptor alpha; plus strand). Cytogenetic location: 4q12.
Variant type: single nucleotide variant.
Coding change: c.173A>G on transcript NM_006206.6 (MANE Select); coding-DNA position 173, A replaced by G.
Protein change: p.Gln58Arg; replaces glutamine 58 with arginine.
Molecular consequence: missense variant.
Genome position (GRCh38, 1-based): chr4:54,261,218, A>G. VCF-style: chr4-54261218-A-G. GRCh37 (hg19) VCF-style: chr4-55127385-A-G.
Other names: c.173A>G, p.Gln58Arg (NM_001347827.2, NM_001347829.2); c.248A>G, p.Gln83Arg (NM_001347828.2); c.212A>G, p.Gln71Arg (NM_001347830.2); short protein forms Q83R, Q58R, Q71R.
Identifiers: ClinVar variation 2615326 (VCV002615326.6), dbSNP rs1186935022, ClinGen allele CA356888410.

ClinVar aggregate classification (germline): Conflicting classifications of pathogenicity. Review status: criteria provided, conflicting classifications (1 of 4 stars). 2 submissions from 2 submitters: Uncertain significance (1); Likely benign (1). Last evaluated 2025-09-09.

Conditions:
Hereditary cancer-predisposing syndrome. Also called: Neoplastic Syndromes, Hereditary; Hereditary neoplastic syndrome; Tumor predisposition; Hereditary Cancer Syndrome. Identifiers: Orphanet 140162, MedGen C0027672, MeSH D009386, MONDO:0015356.
Gastrointestinal stromal tumor. Also called: Gastrointestinal stromal tumor, somatic; Gastrointestinal stroma tumor. Identifiers: Orphanet 44890, MedGen C0238198, MeSH D046152, MONDO:0011719, OMIM 606764, HP:0100723.

Allele frequency attached by ClinVar (database versions not stated): gnomAD exomes below 0.00001.
gnomAD v4.1: 3 of 1,614,174 alleles (0.00019%); highest among the groups gnomAD compares: South Asian, 0.0011%; no homozygotes.

Submissions (2):

Ambry Genetics
Classification: Likely benign for Hereditary cancer-predisposing syndrome. Last evaluated: 2025-09-09. Review status: criteria provided, single submitter. Criteria: Ambry Variant Classification Scheme 2023. Collection method: clinical testing. Allele origin: germline.

Labcorp Genetics (formerly Invitae), Labcorp
Classification: Uncertain significance for Gastrointestinal stromal tumor. Last evaluated: 2025-01-26. Review status: criteria provided, single submitter. Criteria: Invitae Variant Classification Sherloc (09022015). Collection method: clinical testing. Allele origin: germline.
Comment: This sequence change replaces glutamine, which is neutral and polar, with arginine, which is basic and polar, at codon 58 of the PDGFRA protein (p.Gln58Arg). This variant is present in population databases (no rsID available, gnomAD 0.003%). This variant has not been reported in the literature in individuals affected with PDGFRA-related conditions. ClinVar contains an entry for this variant (Variation ID: 2615326). Invitae Evidence Modeling of protein sequence and biophysical properties (such as structural, functional, and spatial information, amino acid conservation, physicochemical variation, residue mobility, and thermodynamic stability) indicates that this missense variant is not expected to disrupt PDGFRA protein function with a negative predictive value of 80%. In summary, the available evidence is currently insufficient to determine the role of this variant in disease. Therefore, it has been classified as a Variant of Uncertain Significance.